The following is an entry in ClinVar:

ClinVar aggregate classification (germline): Uncertain significance (1 of 4 stars; one submission).

Conditions:
Inborn genetic diseases. Identifiers: MedGen C0950123, MeSH D030342.

gnomAD v4.1: 2 of 1,612,542 alleles (0.00012%); highest among the groups gnomAD compares: African/African-American, 0.0013%; no homozygotes.

Submission:

Ambry Genetics
Classification: Uncertain significance for Inborn genetic diseases. Last evaluated: 2025-09-16. Review status: criteria provided, single submitter. Criteria: Ambry Variant Classification Scheme 2023. Collection method: clinical testing. Allele origin: germline.
Comment: The p.T916I variant (also known as c.2747C>T), located in coding exon 28 of the RTEL1 gene, results from a C to T substitution at nucleotide position 2747. The threonine at codon 916 is replaced by isoleucine, an amino acid with similar properties. This amino acid position is conserved. In addition, this alteration is predicted to be tolerated by in silico analysis. Based on the available evidence, the clinical significance of this variant remains unclear.

NM_001283009.2(RTEL1):c.2747C>T (p.Thr916Ile)

Genes: RTEL1 (regulator of telomere elongation helicase 1; plus strand), RTEL1-TNFRSF6B (RTEL1-TNFRSF6B readthrough (NMD candidate); plus strand). Cytogenetic location: 20q13.33.
Variant type: single nucleotide variant.
Coding change: c.2747C>T on transcript NM_001283009.2 (MANE Select); coding-DNA position 2747, C replaced by T.
Protein change: p.Thr916Ile; replaces threonine 916 with isoleucine.
Molecular consequence: missense variant. On other transcripts: non-coding transcript variant (1).
Genome position (GRCh38, 1-based): chr20:63,692,899, C>T. VCF-style: chr20-63692899-C-T. GRCh37 (hg19) VCF-style: chr20-62324252-C-T.
Other names: c.2078C>T, p.Thr693Ile (NM_001283010.1); c.2747C>T, p.Thr916Ile (NM_016434.4); c.2819C>T, p.Thr940Ile (NM_032957.5); short protein forms T693I, T916I, T940I.
Identifiers: ClinVar variation 4629500 (VCV004629500.1).